The following is an entry in ClinVar:

ClinVar aggregate classification (germline): Uncertain significance (1 of 4 stars; one submission).

Conditions:
Cataract 20 multiple types (CTRCT20). Also called: Membranous cataract. Identifiers: Orphanet 91492, MedGen C0524524, MONDO:0007284, OMIM 116100, HP:0010922.

Allele frequency attached by ClinVar (database versions not stated): gnomAD exomes below 0.00001 and 0.00001; ExAC 0.00001; ESP Exome Variant Server 0.00008.
gnomAD v4.1: 15 of 1,613,898 alleles (0.00093%); highest among the groups gnomAD compares: African/African-American, 0.0027%; no homozygotes.

Submission:

Labcorp Genetics (formerly Invitae), Labcorp
Classification: Uncertain significance for Cataract 20 multiple types. Last evaluated: 2021-01-02. Review status: criteria provided, single submitter. Criteria: Invitae Variant Classification Sherloc (09022015). Collection method: clinical testing. Allele origin: germline.
Comment: This sequence change replaces tyrosine with cysteine at codon 11 of the CRYGS protein (p.Tyr11Cys). The tyrosine residue is highly conserved and there is a large physicochemical difference between tyrosine and cysteine. In summary, the available evidence is currently insufficient to determine the role of this variant in disease. Therefore, it has been classified as a Variant of Uncertain Significance. Algorithms developed to predict the effect of missense changes on protein structure and function (SIFT, PolyPhen-2, Align-GVGD) all suggest that this variant is likely to be disruptive, but these predictions have not been confirmed by published functional studies and their clinical significance is uncertain. This variant has not been reported in the literature in individuals with CRYGS-related conditions. This variant is present in population databases (rs143424000, ExAC 0.01%).

NM_017541.4(CRYGS):c.32A>G (p.Tyr11Cys)

Gene: CRYGS (crystallin gamma S; minus strand). Cytogenetic location: 3q27.3.
Variant type: single nucleotide variant.
Coding change: c.32A>G on transcript NM_017541.4 (MANE Select); coding-DNA position 32, A replaced by G.
Protein change: p.Tyr11Cys; replaces tyrosine 11 with cysteine.
Molecular consequence: missense variant.
Genome position (GRCh38, 1-based): chr3:186,539,587, T>C on the plus strand (A>G on the coding strand, the complement: CRYGS is on the minus strand). VCF-style: chr3-186539587-T-C. GRCh37 (hg19) VCF-style: chr3-186257376-T-C.
Other names: short protein forms Y11C.
Identifiers: ClinVar variation 1446817 (VCV001446817.8), dbSNP rs143424000, ClinGen allele CA2743950.